The following is an entry in ClinVar:

ClinVar aggregate classification (germline): Uncertain significance (1 of 4 stars; one submission).

Submission:

GeneDx
Classification: Uncertain significance. Last evaluated: 2026-03-02. Review status: criteria provided, single submitter. Criteria: GeneDx Variant Classification Process June 2021. Collection method: clinical testing. Allele origin: germline.
Comment: Not observed at significant frequency in large population cohorts (gnomAD); In silico analysis suggests that this missense variant does not alter protein structure/function; Has not been previously published as pathogenic or benign to our knowledge

NM_014727.3(KMT2B):c.4639G>C (p.Glu1547Gln)

Gene: KMT2B (lysine methyltransferase 2B; plus strand). Cytogenetic location: 19q13.12.
Variant type: single nucleotide variant.
Coding change: c.4639G>C on transcript NM_014727.3 (MANE Select); coding-DNA position 4639, G replaced by C.
Protein change: p.Glu1547Gln; replaces glutamic acid 1547 with glutamine.
Molecular consequence: missense variant.
Genome position (GRCh38, 1-based): chr19:35,728,841, G>C. VCF-style: chr19-35728841-G-C. GRCh37 (hg19) VCF-style: chr19-36219742-G-C.
Other names: short protein forms E1547Q.
Identifiers: ClinVar variation 5008031 (VCV005008031.1).